The following is an entry in ClinVar:

NM_000044.6(AR):c.1828A>G (p.Lys610Glu)

Gene: AR (androgen receptor; plus strand). Cytogenetic location: Xq12.
Variant type: single nucleotide variant.
Coding change: c.1828A>G on transcript NM_000044.6 (MANE Select); coding-DNA position 1828, A replaced by G.
Protein change: p.Lys610Glu; replaces lysine 610 with glutamic acid.
Molecular consequence: missense variant. On other transcripts: 3 prime UTR variant (1).
Genome position (GRCh38, 1-based): chrX:67,686,069, A>G. VCF-style: chrX-67686069-A-G. GRCh37 (hg19) VCF-style: chrX-66905911-A-G.
Other names: c.232A>G, p.Lys78Glu (NM_001011645.3); c.1828A>G, p.Lys610Glu (NM_001348061.1, NM_001348063.1); c.*26A>G (NM_001348064.1); short protein forms K610E, K78E.
Identifiers: ClinVar variation 3572937 (VCV003572937.2).

ClinVar aggregate classification (germline): Likely pathogenic. Review status: criteria provided, single submitter (1 of 4 stars). 2 submissions from 2 submitters: Likely pathogenic (1). 1 of the submissions does not count toward it.

Conditions:
Androgen resistance syndrome (AIS). Also called: Androgen insensitivity; ANDROGEN RECEPTOR DEFICIENCY; DIHYDROTESTOSTERONE RECEPTOR DEFICIENCY; TESTICULAR FEMINIZATION SYNDROME; DHTR DEFICIENCY; Androgen insensitivity syndrome. Identifiers: Orphanet 754, Orphanet 99429, MedGen C0039585, MONDO:0019154, OMIM 300068. Disease mechanism: loss of function.

Submissions (2):

Center of Excellence of Human Genetics, National Research Center
Classification: Likely pathogenic for Androgen resistance syndrome. Review status: criteria provided, single submitter. Criteria: ACMG Guidelines, 2015. Collection method: clinical testing. Allele origin: maternal. Affected: yes.
Comment: The variant is not reported in population datasets, and computational tools confirm its pathogencity (REVEL: deleterious (0.92), MetaLR: deleterious (0.94) , AlphaMissense: deleterious (1)). It is not reported before in the literature; however, it has been submitted once on CliVar (Accession: VCV003572937.1). These evidences confirm the classification of likely pathogenic variant.

Molecular Genetics, Labor Dr. Heidrich & Kollegen MVZ GmbH
Classification: Likely pathogenic for Androgen insensitivity syndrome. Last evaluated: 2024-08-14. Review status: no assertion criteria provided. Collection method: clinical testing. Allele origin: germline. Not counted in ClinVar's aggregate classification.

Literature cited by the submitters: PubMed 32784047 (cited by Center of Excellence of Human Genetics, National Research Center).